The following is an entry in ClinVar:

NM_015295.3(SMCHD1):c.3801G>A (p.Glu1267=)

Gene: SMCHD1 (structural maintenance of chromosomes flexible hinge domain containing 1; plus strand). Cytogenetic location: 18p11.32.
Variant type: single nucleotide variant.
Coding change: c.3801G>A on transcript NM_015295.3 (MANE Select); coding-DNA position 3801, G replaced by A.
Protein change: p.Glu1267=; no amino-acid change (glutamic acid 1267 retained).
Molecular consequence: synonymous variant.
Genome position (GRCh38, 1-based): chr18:2,743,928, G>A. VCF-style: chr18-2743928-G-A. GRCh37 (hg19) VCF-style: chr18-2743926-G-A.
Identifiers: ClinVar variation 3654259 (VCV003654259.2).

ClinVar aggregate classification (germline): Uncertain significance (1 of 4 stars; one submission).

Conditions:
Facioscapulohumeral muscular dystrophy 2 (FSHD2). Also called: MUSCULAR DYSTROPHY, FACIOSCAPULOHUMERAL, TYPE 1B; FACIOSCAPULOHUMERAL MUSCULAR DYSTROPHY 2, DIGENIC; FSHD2, DIGENIC. Identifiers: Orphanet 269, MedGen C1834671, MONDO:0008031, OMIM 158901.

gnomAD v4.1: 47 of 1,595,712 alleles (0.0029%); highest among the groups gnomAD compares: Non-Finnish European, 0.0038%; no homozygotes.

Submission:

Labcorp Genetics (formerly Invitae), Labcorp
Classification: Uncertain significance for Facioscapulohumeral muscular dystrophy 2. Last evaluated: 2024-07-04. Review status: criteria provided, single submitter. Criteria: Invitae Variant Classification Sherloc (09022015). Collection method: clinical testing. Allele origin: germline.
Comment: This sequence change affects codon 1267 of the SMCHD1 mRNA. It is a 'silent' change, meaning that it does not change the encoded amino acid sequence of the SMCHD1 protein. This variant also falls at the last nucleotide of exon 29, which is part of the consensus splice site for this exon. This variant is present in population databases (rs772473341, gnomAD 0.003%). This variant has not been reported in the literature in individuals affected with SMCHD1-related conditions. Variants that disrupt the consensus splice site are a relatively common cause of aberrant splicing (PMID: 17576681, 9536098). Algorithms developed to predict the effect of sequence changes on RNA splicing suggest that this variant is not likely to affect RNA splicing. In summary, the available evidence is currently insufficient to determine the role of this variant in disease. Therefore, it has been classified as a Variant of Uncertain Significance.

Literature cited by the submitters: PubMed 17576681; PubMed 9536098.